The following is an entry in ClinVar:

NM_004006.3(DMD):c.9776T>C (p.Ile3259Thr)

Gene: DMD (dystrophin; minus strand). Cytogenetic location: Xp21.2.
Variant type: single nucleotide variant.
Coding change: c.9776T>C on transcript NM_004006.3 (MANE Select); coding-DNA position 9776, T replaced by C.
Protein change: p.Ile3259Thr; replaces isoleucine 3259 with threonine.
Molecular consequence: missense variant.
Genome position (GRCh38, 1-based): chrX:31,203,992, A>G on the plus strand (T>C on the coding strand, the complement: DMD is on the minus strand). VCF-style: chrX-31203992-A-G. GRCh37 (hg19) VCF-style: chrX-31222109-A-G.
Other names: c.9752T>C, p.Ile3251Thr (NM_000109.4); c.9764T>C, p.Ile3255Thr (NM_004009.3); c.9407T>C, p.Ile3136Thr (NM_004010.3); c.5753T>C, p.Ile1918Thr (NM_004011.4); c.5744T>C, p.Ile1915Thr (NM_004012.4); c.2396T>C, p.Ile799Thr (NM_004013.3, NM_004020.4, NM_004021.3 and 2 more transcripts); c.1589T>C, p.Ile530Thr (NM_004014.3); c.572T>C, p.Ile191Thr (NM_004015.3, NM_004016.3, NM_004017.3 and 2 more transcripts); short protein forms I3251T, I3259T, I1915T, I191T, I3255T, I799T, I1918T, I3136T.
Identifiers: ClinVar variation 3675680 (VCV003675680.2).
Genomic context (GRCh38, chrX:31,203,992, plus strand): 5'-ATATGTTACCTAGAAGGTGAATAACTTACAAATTGGAAGCAGCTCCGGACACTTGGCTCA[A>G]TGTTACTGCCCCCAAAGGATGCAACTTCACCCAACTGTCTTGGAATTTGGATAGAATCAT-3'
Protein context (NP_003997.2, residues 3249-3269): GEVASFGGSN[Ile3259Thr]EPSVRSCFQF

ClinVar aggregate classification (germline): Uncertain significance (1 of 4 stars; one submission).

Conditions:
Duchenne muscular dystrophy (DMD). Also called: MUSCULAR DYSTROPHY, PSEUDOHYPERTROPHIC PROGRESSIVE, DUCHENNE TYPE; Duchenne Muscular Dystrophy (DMD). Identifiers: Orphanet 98896, MedGen C0013264, MONDO:0010679, OMIM 310200.

Submission:

Labcorp Genetics (formerly Invitae), Labcorp
Classification: Uncertain significance for Duchenne muscular dystrophy. Last evaluated: 2024-12-12. Review status: criteria provided, single submitter. Criteria: Invitae Variant Classification Sherloc (09022015). Collection method: clinical testing. Allele origin: germline.
Comment: This sequence change replaces isoleucine, which is neutral and non-polar, with threonine, which is neutral and polar, at codon 3259 of the DMD protein (p.Ile3259Thr). This variant is not present in population databases (gnomAD no frequency). This variant has not been reported in the literature in individuals affected with DMD-related conditions. Invitae Evidence Modeling of protein sequence and biophysical properties (such as structural, functional, and spatial information, amino acid conservation, physicochemical variation, residue mobility, and thermodynamic stability) indicates that this missense variant is not expected to disrupt DMD protein function with a negative predictive value of 95%. In summary, the available evidence is currently insufficient to determine the role of this variant in disease. Therefore, it has been classified as a Variant of Uncertain Significance.